The following is an entry in ClinVar:

NM_006494.4(ERF):c.383T>G (p.Val128Gly)

Gene: ERF (ETS2 repressor factor; minus strand). Cytogenetic location: 19q13.2.
Variant type: single nucleotide variant.
Coding change: c.383T>G on transcript NM_006494.4 (MANE Select); coding-DNA position 383, T replaced by G.
Protein change: p.Val128Gly; replaces valine 128 with glycine.
Molecular consequence: missense variant.
Genome position (GRCh38, 1-based): chr19:42,249,729, A>C on the plus strand (T>G on the coding strand, the complement: ERF is on the minus strand). VCF-style: chr19-42249729-A-C. GRCh37 (hg19) VCF-style: chr19-42753881-A-C.
Other names: c.158T>G, p.Val53Gly (NM_001301035.2, NM_001308402.2, NM_001312656.2); c.383T>G (NM_006494.2); short protein forms V128G, V53G.
Identifiers: ClinVar variation 691916 (VCV000691916.3), dbSNP rs781452659, ClinGen allele CA9471411.

ClinVar aggregate classification (germline): Uncertain significance. Review status: criteria provided, multiple submitters, no conflicts (2 of 4 stars). 2 submissions from 2 submitters: Uncertain significance (2). Last evaluated 2021-01-27.

Conditions:
Inborn genetic diseases. Identifiers: MedGen C0950123, MeSH D030342.
Craniosynostosis syndrome. Also called: Craniosynostosis. Identifiers: Orphanet 1531, MedGen C0010278, MeSH D003398, MONDO:0015469, HP:0001363.

Allele frequency attached by ClinVar (database versions not stated): gnomAD below 0.00001 and 0.00001; TOPMed below 0.00001; gnomAD exomes 0.00003; ExAC 0.00006.
gnomAD v4.1: 44 of 1,602,444 alleles (0.0027%); highest among the groups gnomAD compares: South Asian, 0.046%; 1 homozygote.

Submissions (2):

Ambry Genetics
Classification: Uncertain significance for Inborn genetic diseases. Last evaluated: 2021-01-27. Review status: criteria provided, single submitter. Criteria: Ambry Variant Classification Scheme 2023. Collection method: clinical testing. Allele origin: germline.
Comment: The c.383T>G (p.V128G) alteration is located in exon 4 (coding exon 4) of the ERF gene. This alteration results from a T to G substitution at nucleotide position 383, causing the valine (V) at amino acid position 128 to be replaced by a glycine (G). The p.V128G alteration is predicted to be tolerated by in silico analysis. Based on insufficient or conflicting evidence, the clinical significance of this alteration remains unclear.

Klinisk genetik och genomik Research, Gothenburg University
Classification: Uncertain significance for Craniosynostosis. Last evaluated: 2019-09-25. Review status: criteria provided, single submitter. Criteria: ACMG Guidelines, 2015. Collection method: research. Allele origin: germline. Affected: yes.
Comment: Co-segregating with VOUS in PTCH1

Literature cited by the submitters: PubMed 31837199 (cited by Ambry Genetics and Klinisk genetik och genomik Research, Gothenburg University).